The following is an entry in ClinVar:

NM_006158.5(NEFL):c.808G>T (p.Ala270Ser)

Gene: NEFL (neurofilament light chain; minus strand). Cytogenetic location: 8p21.2.
Variant type: single nucleotide variant.
Coding change: c.808G>T on transcript NM_006158.5 (MANE Select); coding-DNA position 808, G replaced by T.
Protein change: p.Ala270Ser; replaces alanine 270 with serine.
Molecular consequence: missense variant.
Genome position (GRCh38, 1-based): chr8:24,955,708, C>A on the plus strand (G>T on the coding strand, the complement: NEFL is on the minus strand). VCF-style: chr8-24955708-C-A. GRCh37 (hg19) VCF-style: chr8-24813222-C-A.
Other names: p.Ala270Ser; short protein forms A270S.
Identifiers: ClinVar variation 657498 (VCV000657498.5), dbSNP rs749160052, ClinGen allele CA4681436.

ClinVar aggregate classification (germline): Uncertain significance. Review status: criteria provided, multiple submitters, no conflicts (2 of 4 stars). 2 submissions from 2 submitters: Uncertain significance (2). Last evaluated 2025-04-01.

Conditions:
Charcot-Marie-Tooth disease type 2E (CMT2E). Also called: CHARCOT-MARIE-TOOTH DISEASE, AXONAL, TYPE 2E; CHARCOT-MARIE-TOOTH NEUROPATHY, TYPE 2E. Identifiers: Orphanet 99939, MedGen C1843225, MONDO:0011894, OMIM 607684.

Allele frequency attached by ClinVar (database versions not stated): TOPMed below 0.00001; ExAC 0.00001; gnomAD exomes 0.00001.

Submissions (2):

Mayo Clinic Laboratories, Mayo Clinic
Classification: Uncertain significance. Last evaluated: 2025-04-01. Review status: criteria provided, single submitter. Criteria: ACMG Guidelines, 2015. Collection method: clinical testing. Allele origin: germline. Observed: 1 variant allele.

Labcorp Genetics (formerly Invitae), Labcorp
Classification: Uncertain significance for Charcot-Marie-Tooth disease type 2E. Last evaluated: 2018-11-27. Review status: criteria provided, single submitter. Criteria: Invitae Variant Classification Sherloc (09022015). Collection method: clinical testing. Allele origin: germline.
Comment: This sequence change replaces alanine with serine at codon 270 of the NEFL protein (p.Ala270Ser). The alanine residue is highly conserved and there is a moderate physicochemical difference between alanine and serine. This variant is present in population databases (rs749160052, ExAC 0.006%). This variant has not been reported in the literature in individuals with NEFL-related conditions. Algorithms developed to predict the effect of missense changes on protein structure and function are either unavailable or do not agree on the potential impact of this missense change (SIFT: "Deleterious"; PolyPhen-2: "Not Available"; Align-GVGD: "Class C65"). In summary, the available evidence is currently insufficient to determine the role of this variant in disease. Therefore, it has been classified as a Variant of Uncertain Significance.